The following is an entry in ClinVar:

ClinVar aggregate classification (germline): Uncertain significance (1 of 4 stars; one submission).

gnomAD v4.1: 10 of 1,610,100 alleles (0.00062%); highest among the groups gnomAD compares: Non-Finnish European, 0.00076%; no homozygotes.

Submission:

Labcorp Genetics (formerly Invitae), Labcorp
Classification: Uncertain significance. Last evaluated: 2025-07-28. Review status: criteria provided, single submitter. Criteria: Invitae Variant Classification Sherloc (09022015). Collection method: clinical testing. Allele origin: germline.
Comment: This sequence change replaces threonine, which is neutral and polar, with isoleucine, which is neutral and non-polar, at codon 660 of the PDE6C protein (p.Thr660Ile). This variant is not present in population databases (gnomAD no frequency). This variant has not been reported in the literature in individuals affected with PDE6C-related conditions. ClinVar contains an entry for this variant (Variation ID: 2186803). Invitae Evidence Modeling of protein sequence and biophysical properties (such as structural, functional, and spatial information, amino acid conservation, physicochemical variation, residue mobility, and thermodynamic stability) indicates that this missense variant is not expected to disrupt PDE6C protein function with a negative predictive value of 80%. In summary, the available evidence is currently insufficient to determine the role of this variant in disease. Therefore, it has been classified as a Variant of Uncertain Significance.

NM_006204.4(PDE6C):c.1979C>T (p.Thr660Ile)

Gene: PDE6C (phosphodiesterase 6C; plus strand). Cytogenetic location: 10q23.33.
Variant type: single nucleotide variant.
Coding change: c.1979C>T on transcript NM_006204.4 (MANE Select); coding-DNA position 1979, C replaced by T.
Protein change: p.Thr660Ile; replaces threonine 660 with isoleucine.
Molecular consequence: missense variant.
Genome position (GRCh38, 1-based): chr10:93,655,803, C>T. VCF-style: chr10-93655803-C-T. GRCh37 (hg19) VCF-style: chr10-95415560-C-T.
Other names: short protein forms T660I.
Identifiers: ClinVar variation 2186803 (VCV002186803.3), dbSNP rs767703174, ClinGen allele CA377623053.
Genomic context (GRCh38, chr10:93,655,803, plus strand): 5'-GAATTTTCATCTTACAGAGTTTAAACATCTTCCAGAACCTAAATAAGCGGCAGTTTGAAA[C>T]AGTTATTCATTTGTTCGAGGTCGCAATAATAGCAACTGACCTGGCTTTATATTTCAAGTA-3'
Protein context (NP_006195.3, residues 650-670): FQNLNKRQFE[Thr660Ile]VIHLFEVAII